The following is an entry in ClinVar:

ClinVar aggregate classification (germline): Likely benign (0 of 4 stars; one submission).

Conditions:
VPS13B-related disorder. Also called: VPS13B-related condition.

Submission:

PreventionGenetics, part of Exact Sciences
Classification: Likely benign for VPS13B-related condition. Last evaluated: 2020-12-15. Review status: no assertion criteria provided. Collection method: clinical testing. Allele origin: germline.
Comment: This variant is classified as likely benign based on ACMG/AMP sequence variant interpretation guidelines (Richards et al. 2015 PMID: 25741868, with internal and published modifications).

NM_152564.5(VPS13B):c.9331-20_9331-3dup

Gene: VPS13B (vacuolar protein sorting 13 homolog B; plus strand). Cytogenetic location: 8q22.2.
Variant type: Duplication.
Coding change: c.9331-20_9331-3dup on transcript NM_152564.5 (MANE Select); 20 bases into the intron before coding-DNA position 9331 through 3 bases into the intron before coding-DNA position 9331, 18 bases duplicated (TTTTTTTTTTTTTTTTTT).
Molecular consequence: intron variant.
Genome position (GRCh38, 1-based): chr8:99,832,349-99,832,366, TTTTTTTTTTTTTTTTTT duplicated; duplicating any 18 consecutive bases within chr8:99,832,342-99,832,366 gives the same sequence; the c. name uses the placement nearest the transcript's 3' end. VCF-style (leftmost placement, unchanged base first): chr8-99832341-A-ATTTTTTTTTTTTTTTTTT. GRCh37 (hg19) VCF-style: chr8-100844569-A-ATTTTTTTTTTTTTTTTTT.
Other names: c.9406-20_9406-3dup (NM_017890.5).
Identifiers: ClinVar variation 3044051 (VCV003044051.2), dbSNP rs370235149, ClinGen allele CA1117121029.
Genomic context (GRCh38, chr8:99,832,341, plus strand): 5'-AGAAGATATGCTTTAAAAAGTTTAATTCTGCTGTATTACTGTAGCTAATGTGCTCTCTGC[A>ATTTTTTTTTTTTTTTTTT]TTTTTTTTTTTTTTTTTTTTTTTTTAGTATTTTCGTGTTCCAGACAGTGCTACTTTTAGC-3'